The following is an entry in ClinVar:

ClinVar aggregate classification (germline): Pathogenic (1 of 4 stars; one submission).

Conditions:
Neurofibromatosis, type 1 (NF1). Also called: NEUROFIBROMATOSIS, TYPE I, SOMATIC; VON RECKLINGHAUSEN DISEASE; Peripheral type neurofibromatosis; Neurofibromatosis, type I. Identifiers: Orphanet 636, MedGen C0027831, MONDO:0018975, OMIM 162200. Disease mechanism: loss of function.

Submission:

Labcorp Genetics (formerly Invitae), Labcorp
Classification: Pathogenic for Neurofibromatosis, type 1. Last evaluated: 2025-12-15. Review status: criteria provided, single submitter. Criteria: Invitae Variant Classification Sherloc (09022015). Collection method: clinical testing. Allele origin: germline.
Comment: This sequence change creates a premature translational stop signal (p.Ala308Leufs*10) in the NF1 gene. It is expected to result in an absent or disrupted protein product. Loss-of-function variants in NF1 are known to be pathogenic (PMID: 10712197, 23913538). This variant is not present in population databases (gnomAD no frequency). This variant has not been reported in the literature in individuals affected with NF1-related conditions. For these reasons, this variant has been classified as Pathogenic.

Literature cited by the submitters: PubMed 10712197; PubMed 23913538.

NM_001042492.3(NF1):c.916_917dup (p.Ala308fs)

Gene: NF1 (neurofibromin 1; plus strand). Cytogenetic location: 17q11.2.
Variant type: Duplication.
Coding change: c.916_917dup on transcript NM_001042492.3 (MANE Select); coding-DNA positions 916 to 917, 2 bases duplicated (GC; older notation c.916_917dupGC).
Protein change: p.Ala308fs; shifts the reading frame from alanine 308.
Molecular consequence: frameshift variant.
Genome position (GRCh38, 1-based): chr17:31,200,449-31,200,450, GC duplicated. VCF-style (leftmost placement, unchanged base first): chr17-31200448-A-AGC. GRCh37 (hg19) VCF-style: chr17-29527466-A-AGC.
Other names: c.916_917dup, p.Ala308fs (NM_000267.4, NM_001128147.3); short protein forms A308fs.
Identifiers: ClinVar variation 4727859 (VCV004727859.1).